The following is an entry in ClinVar:

NM_013275.6(ANKRD11):c.7845C>T (p.Ala2615=)

Gene: ANKRD11 (ankyrin repeat domain 11; minus strand). Cytogenetic location: 16q24.3.
Variant type: single nucleotide variant.
Coding change: c.7845C>T on transcript NM_013275.6 (MANE Select); coding-DNA position 7845, C replaced by T.
Protein change: p.Ala2615=; no amino-acid change (alanine 2615 retained).
Molecular consequence: synonymous variant.
Genome position (GRCh38, 1-based): chr16:89,268,625, G>A on the plus strand (C>T on the coding strand, the complement: ANKRD11 is on the minus strand). VCF-style: chr16-89268625-G-A. GRCh37 (hg19) VCF-style: chr16-89335033-G-A.
Other names: c.7845C>T, p.Ala2615= (NM_001256182.2, NM_001256183.2).
Identifiers: ClinVar variation 1465324 (VCV001465324.30), dbSNP rs2032839293, ClinGen allele CA497165695.

ClinVar aggregate classification (germline): Likely benign. Review status: criteria provided, multiple submitters, no conflicts (2 of 4 stars). 2 submissions from 2 submitters: Likely benign (2). Last evaluated 2023-12-01.

Conditions:
KBG syndrome (KBGS). Also called: ANKRD11-Related KBG Syndrome. Identifiers: Orphanet 2332, MedGen C0220687, MONDO:0007846, OMIM 148050.

Allele frequency attached by ClinVar (database versions not stated): gnomAD exomes below 0.00001; gnomAD 0.00001.
gnomAD v4.1: 3 of 1,569,302 alleles (0.00019%); highest among the groups gnomAD compares: South Asian, 0.0012%; no homozygotes.

Submissions (2):

CeGaT Center for Human Genetics Tuebingen
Classification: Likely benign. Last evaluated: 2023-12-01. Review status: criteria provided, single submitter. Criteria: CeGaT Center For Human Genetics Tuebingen Variant Classification Criteria Version 2. Collection method: clinical testing. Allele origin: germline. Affected: yes. Observed: 1 variant allele.
Comment: ANKRD11: BP4, BP7

Labcorp Genetics (formerly Invitae), Labcorp
Classification: Likely benign for KBG syndrome. Last evaluated: 2022-08-15. Review status: criteria provided, single submitter. Criteria: Invitae Variant Classification Sherloc (09022015). Collection method: clinical testing. Allele origin: germline.